The following is an entry in ClinVar:

NM_000362.5(TIMP3):c.568G>A (p.Gly190Ser)

Genes: SYN3 (synapsin III; minus strand), TIMP3 (TIMP metallopeptidase inhibitor 3; plus strand). Cytogenetic location: 22q12.3.
Variant type: single nucleotide variant.
Coding change: c.568G>A on transcript NM_000362.5 (MANE Select); coding-DNA position 568, G replaced by A.
Protein change: p.Gly190Ser; replaces glycine 190 with serine.
Molecular consequence: missense variant. On other transcripts: intron variant (7).
Genome position (GRCh38, 1-based): chr22:32,859,309, G>A. VCF-style: chr22-32859309-G-A. GRCh37 (hg19) VCF-style: chr22-33255296-G-A.
Other names: c.708+5606C>T (NM_001369909.1, NM_001135774.2, NM_001369910.1); c.711+5606C>T (NM_001369907.1, NM_003490.4, NM_001369908.1 and 1 more transcripts); short protein forms G190S.
Identifiers: ClinVar variation 1056890 (VCV001056890.9), dbSNP rs2146296988, ClinGen allele CA411540413.

ClinVar aggregate classification (germline): Uncertain significance (1 of 4 stars; one submission).

Submission:

Labcorp Genetics (formerly Invitae), Labcorp
Classification: Uncertain significance. Last evaluated: 2024-02-24. Review status: criteria provided, single submitter. Criteria: Invitae Variant Classification Sherloc (09022015). Collection method: clinical testing. Allele origin: germline.
Comment: This sequence change replaces glycine, which is neutral and non-polar, with serine, which is neutral and polar, at codon 190 of the TIMP3 protein (p.Gly190Ser). This variant is not present in population databases (gnomAD no frequency). This variant has not been reported in the literature in individuals affected with TIMP3-related conditions. ClinVar contains an entry for this variant (Variation ID: 1056890). An algorithm developed to predict the effect of missense changes on protein structure and function (PolyPhen-2) suggests that this variant is likely to be disruptive. This variant disrupts the p.Gly190 amino acid residue in TIMP3. Other variant(s) that disrupt this residue have been determined to be pathogenic (PMID: 7550309). This suggests that this residue is clinically significant, and that variants that disrupt this residue are likely to be disease-causing. In summary, the available evidence is currently insufficient to determine the role of this variant in disease. Therefore, it has been classified as a Variant of Uncertain Significance.

Literature cited by the submitters: PubMed 7550309.